The following is an entry in ClinVar:

NM_001378454.1(ALMS1):c.10082C>A (p.Ala3361Asp)

Gene: ALMS1 (ALMS1 centrosome and basal body associated protein; plus strand). Cytogenetic location: 2p13.1.
Variant type: single nucleotide variant.
Coding change: c.10082C>A on transcript NM_001378454.1 (MANE Select); coding-DNA position 10082, C replaced by A.
Protein change: p.Ala3361Asp; replaces alanine 3361 with aspartic acid.
Molecular consequence: missense variant.
Genome position (GRCh38, 1-based): chr2:73,557,223, C>A. VCF-style: chr2-73557223-C-A. GRCh37 (hg19) VCF-style: chr2-73784350-C-A.
Other names: c.10085C>A, p.Ala3362Asp (NM_015120.4); short protein forms A3361D, A3362D.
Identifiers: ClinVar variation 1373234 (VCV001373234.7), dbSNP rs1195894910, ClinGen allele CA347276097.

ClinVar aggregate classification (germline): Uncertain significance. Review status: criteria provided, multiple submitters, no conflicts (2 of 4 stars). 2 submissions from 2 submitters: Uncertain significance (2). Last evaluated 2022-03-24.

Conditions:
Alstrom syndrome (ALMS). Identifiers: Orphanet 64, MedGen C0268425, MONDO:0008763, OMIM 203800.

Submissions (2):

Fulgent Genetics
Classification: Uncertain significance for Alstrom syndrome. Last evaluated: 2022-03-24. Review status: criteria provided, single submitter. Criteria: ACMG Guidelines, 2015. Collection method: clinical testing. Allele origin: unknown.

Labcorp Genetics (formerly Invitae), Labcorp
Classification: Uncertain significance for Alstrom syndrome. Last evaluated: 2021-08-07. Review status: criteria provided, single submitter. Criteria: Invitae Variant Classification Sherloc (09022015). Collection method: clinical testing. Allele origin: germline.
Comment: In summary, the available evidence is currently insufficient to determine the role of this variant in disease. Therefore, it has been classified as a Variant of Uncertain Significance. Experimental studies and prediction algorithms are not available or were not evaluated, and the functional significance of this variant is currently unknown. This variant has not been reported in the literature in individuals affected with ALMS1-related conditions. This variant is not present in population databases (ExAC no frequency). This sequence change replaces alanine with aspartic acid at codon 3362 of the ALMS1 protein (p.Ala3362Asp). The alanine residue is moderately conserved and there is a moderate physicochemical difference between alanine and aspartic acid.